The following is an entry in ClinVar:

NM_001018005.2(TPM1):c.564-47C>T

Gene: TPM1 (tropomyosin 1; plus strand). Cytogenetic location: 15q22.2.
Variant type: single nucleotide variant.
Coding change: c.564-47C>T on transcript NM_001018005.2 (MANE Select); 47 bases into the intron before coding-DNA position 564, C replaced by T.
Molecular consequence: intron variant.
Genome position (GRCh38, 1-based): chr15:63,061,666, C>T. VCF-style: chr15-63061666-C-T. GRCh37 (hg19) VCF-style: chr15-63353865-C-T.
Other names: c.690-47C>T (NM_001365778.1); c.639+393C>T (NM_001018020.2, NM_001018006.2, NM_000366.6); c.564-47C>T (NM_001018007.2, NM_001365776.1, NM_001018004.2 and 3 more transcripts); c.531+393C>T (NM_001330351.2, NM_001330344.2, NM_001365781.2); c.456-47C>T (NM_001018008.2, NM_001301289.2, NM_001365782.1 and 2 more transcripts).
Identifiers: ClinVar variation 673881 (VCV000673881.2), dbSNP rs77362326, ClinGen allele CA030809.

ClinVar aggregate classification (germline): Likely benign. Review status: criteria provided, multiple submitters, no conflicts (2 of 4 stars). 2 submissions from 2 submitters: Likely benign (2). Last evaluated 2018-06-16.

Allele frequency attached by ClinVar (database versions not stated): gnomAD 0.00782 and 0.00878; TOPMed 0.00786; ESP Exome Variant Server 0.00969; gnomAD exomes 0.01105; ExAC 0.01136; 1000 Genomes Project 0.01438; 1000 Genomes Project 30x 0.01483.
gnomAD v4.1: 16,339 of 1,569,676 alleles (1%); highest among the groups gnomAD compares: South Asian, 4.2%; 176 homozygotes.

Submissions (2):

GeneDx
Classification: Likely benign. Last evaluated: 2018-06-16. Review status: criteria provided, single submitter. Criteria: GeneDx Variant Classification (06012015). Collection method: clinical testing. Allele origin: germline. Affected: yes.
Comment: This variant is considered likely benign or benign based on one or more of the following criteria: it is a conservative change, it occurs at a poorly conserved position in the protein, it is predicted to be benign by multiple in silico algorithms, and/or has population frequency not consistent with disease.

Breakthrough Genomics
Classification: Likely benign. Review status: criteria provided, single submitter. Criteria: ACMG Guidelines, 2015. Collection method: not provided. Allele origin: germline. Inheritance: Autosomal dominant inheritance. Affected: yes.